The following is an entry in ClinVar:

ClinVar aggregate classification (germline): Uncertain significance. Review status: criteria provided, multiple submitters, no conflicts (2 of 4 stars). 3 submissions from 3 submitters: Uncertain significance (3). Last evaluated 2024-04-03.

Conditions:
ABCA4-related retinopathy. Also called: ABCA4 retinoapthy; ABCA4-related retinoapthy. Identifiers: MedGen CN322612, MONDO:0800406.

gnomAD v4.1: 8 of 1,548,894 alleles (0.00052%); highest among the groups gnomAD compares: Admixed American, 0.014%; no homozygotes.

Submissions (3):

Labcorp Genetics (formerly Invitae), Labcorp
Classification: Uncertain significance. Last evaluated: 2024-04-03. Review status: criteria provided, single submitter. Criteria: Invitae Variant Classification Sherloc (09022015). Collection method: clinical testing. Allele origin: germline.
Comment: This sequence change replaces glutamine, which is neutral and polar, with glutamic acid, which is acidic and polar, at codon 1513 of the ABCA4 protein (p.Gln1513Glu). This variant is present in population databases (rs759373898, gnomAD 0.01%). This variant has not been reported in the literature in individuals affected with ABCA4-related conditions. Algorithms developed to predict the effect of missense changes on protein structure and function output the following: SIFT: "Not Available"; PolyPhen-2: "Benign"; Align-GVGD: "Not Available". The glutamic acid amino acid residue is found in multiple mammalian species, which suggests that this missense change does not adversely affect protein function. This variant disrupts the p.Gln1513 amino acid residue in ABCA4. Other variant(s) that disrupt this residue have been determined to be pathogenic (PMID: 28559085, 29162642, 29925512; Invitae). This suggests that this residue is clinically significant, and that variants that disrupt this residue are likely to be disease-causing. In summary, the available evidence is currently insufficient to determine the role of this variant in disease. Therefore, it has been classified as a Variant of Uncertain Significance.

Blueprint Genetics
Classification: Uncertain significance. Last evaluated: 2023-09-11. Review status: criteria provided, single submitter. Criteria: ACMG Guidelines, 2015. Collection method: clinical testing. Allele origin: germline.

Department of Pathology and Laboratory Medicine, Sinai Health System
Classification: Uncertain significance for ABCA4-related retinopathy. Last evaluated: 2023-08-04. Review status: criteria provided, single submitter. Criteria: ACMG Guidelines, 2015. Collection method: research. Allele origin: germline.

Literature cited by the submitters: PubMed 28559085 (cited by Labcorp Genetics (formerly Invitae), Labcorp); PubMed 29162642 (cited by Labcorp Genetics (formerly Invitae), Labcorp); PubMed 29925512 (cited by Labcorp Genetics (formerly Invitae), Labcorp).

NM_000350.3(ABCA4):c.4537C>G (p.Gln1513Glu)

Gene: ABCA4 (ATP binding cassette subfamily A member 4; minus strand). Cytogenetic location: 1p22.1.
Variant type: single nucleotide variant.
Coding change: c.4537C>G on transcript NM_000350.3 (MANE Select); coding-DNA position 4537, C replaced by G.
Protein change: p.Gln1513Glu; replaces glutamine 1513 with glutamic acid.
Molecular consequence: missense variant.
Genome position (GRCh38, 1-based): chr1:94,029,447, G>C on the plus strand (C>G on the coding strand, the complement: ABCA4 is on the minus strand). VCF-style: chr1-94029447-G-C. GRCh37 (hg19) VCF-style: chr1-94495003-G-C.
Other names: c.4315C>G, p.Gln1439Glu (NM_001425324.1); short protein forms Q1439E, Q1513E.
Identifiers: ClinVar variation 3624162 (VCV003624162.3).